The following is an entry in ClinVar:

ClinVar aggregate classification (germline): Uncertain significance (1 of 4 stars; one submission).

Conditions:
Developmental and epileptic encephalopathy 94 (DEE94). Also called: Epileptic encephalopathy, childhood-onset; CHD2-Related Neurodevelopmental Disorders. Identifiers: Orphanet 1942, Orphanet 2382, MedGen C3809278, MONDO:0014150, OMIM 615369.

Submission:

Labcorp Genetics (formerly Invitae), Labcorp
Classification: Uncertain significance for Developmental and epileptic encephalopathy 94. Last evaluated: 2025-09-24. Review status: criteria provided, single submitter. Criteria: Invitae Variant Classification Sherloc (09022015). Collection method: clinical testing. Allele origin: germline.
Comment: This sequence change replaces arginine, which is basic and polar, with serine, which is neutral and polar, at codon 776 of the CHD2 protein (p.Arg776Ser). This variant is not present in population databases (gnomAD no frequency). This variant has not been reported in the literature in individuals affected with CHD2-related conditions. Invitae Evidence Modeling of protein sequence and biophysical properties (such as structural, functional, and spatial information, amino acid conservation, physicochemical variation, residue mobility, and thermodynamic stability) indicates that this missense variant is not expected to disrupt CHD2 protein function with a negative predictive value of 95%. In summary, the available evidence is currently insufficient to determine the role of this variant in disease. Therefore, it has been classified as a Variant of Uncertain Significance.

NM_001271.4(CHD2):c.2328G>T (p.Arg776Ser)

Gene: CHD2 (chromodomain helicase DNA binding protein 2; plus strand). Cytogenetic location: 15q26.1.
Variant type: single nucleotide variant.
Coding change: c.2328G>T on transcript NM_001271.4 (MANE Select); coding-DNA position 2328, G replaced by T.
Protein change: p.Arg776Ser; replaces arginine 776 with serine.
Molecular consequence: missense variant.
Genome position (GRCh38, 1-based): chr15:92,971,903, G>T. VCF-style: chr15-92971903-G-T. GRCh37 (hg19) VCF-style: chr15-93515133-G-T.
Other names: short protein forms R776S.
Identifiers: ClinVar variation 4802435 (VCV004802435.1).